The following is an entry in ClinVar:

ClinVar aggregate classification (germline): Uncertain significance (1 of 4 stars; one submission).

Allele frequency attached by ClinVar (database versions not stated): gnomAD exomes below 0.00001; ExAC 0.00001.
gnomAD v4.1: 2 of 1,613,624 alleles (0.00012%); highest among the groups gnomAD compares: South Asian, 0.0022%; no homozygotes.

Submission:

Ambry Genetics
Classification: Uncertain significance. Last evaluated: 2023-01-28. Review status: criteria provided, single submitter. Criteria: Ambry Variant Classification Scheme 2023. Collection method: clinical testing. Allele origin: germline.
Comment: The p.C1856Y variant (also known as c.5567G>A), located in coding exon 16 of the POLQ gene, results from a G to A substitution at nucleotide position 5567. The cysteine at codon 1856 is replaced by tyrosine, an amino acid with highly dissimilar properties. This amino acid position is conserved. In addition, this alteration is predicted to be deleterious by in silico analysis. Since supporting evidence is limited at this time, the clinical significance of this alteration remains unclear.

NM_199420.4(POLQ):c.5567G>A (p.Cys1856Tyr)

Gene: POLQ (DNA polymerase theta; minus strand). Cytogenetic location: 3q13.33.
Variant type: single nucleotide variant.
Coding change: c.5567G>A on transcript NM_199420.4 (MANE Select); coding-DNA position 5567, G replaced by A.
Protein change: p.Cys1856Tyr; replaces cysteine 1856 with tyrosine.
Molecular consequence: missense variant.
Genome position (GRCh38, 1-based): chr3:121,487,364, C>T on the plus strand (G>A on the coding strand, the complement: POLQ is on the minus strand). VCF-style: chr3-121487364-C-T. GRCh37 (hg19) VCF-style: chr3-121206211-C-T.
Other names: short protein forms C1856Y.
Identifiers: ClinVar variation 2497153 (VCV002497153.2), dbSNP rs755368060, ClinGen allele CA2562698.